The following is an entry in ClinVar:

NM_000388.4(CASR):c.649G>A (p.Asp217Asn)

Gene: CASR (calcium sensing receptor; plus strand). Cytogenetic location: 3q21.1.
Variant type: single nucleotide variant.
Coding change: c.649G>A on transcript NM_000388.4 (MANE Select); coding-DNA position 649, G replaced by A.
Protein change: p.Asp217Asn; replaces aspartic acid 217 with asparagine.
Molecular consequence: missense variant.
Genome position (GRCh38, 1-based): chr3:122,261,684, G>A. VCF-style: chr3-122261684-G-A. GRCh37 (hg19) VCF-style: chr3-121980531-G-A.
Other names: c.649G>A (NM_001178065.1); c.649G>A, p.Asp217Asn (NM_001178065.2); short protein forms D217N.
Identifiers: ClinVar variation 410344 (VCV000410344.22), dbSNP rs201091657, ClinGen allele CA2569518.

ClinVar aggregate classification (germline): Conflicting classifications of pathogenicity. Review status: criteria provided, conflicting classifications (1 of 4 stars). 10 submissions from 7 submitters: Likely pathogenic (1); Uncertain significance (9). Last evaluated 2026-02-21.

Conditions:
CASR-related disorder. Also called: CASR-related condition.
Nephrolithiasis/nephrocalcinosis. Identifiers: MedGen CN580796.
Familial hypocalciuric hypercalcemia (FHH). Also called: Familial benign hypercalcemia. Identifiers: Orphanet 405, MedGen C1809471, MONDO:0018458.
Autosomal dominant hypocalcemia 1 (HYPOC1). Also called: HYPOCALCEMIA, FAMILIAL. Identifiers: MedGen C3715128, MONDO:0011013, OMIM 601198.
Epilepsy, idiopathic generalized, susceptibility to, 8. Identifiers: MedGen C2752062, MONDO:0013032, OMIM 612899.
Neonatal severe primary hyperparathyroidism. Identifiers: Orphanet 417, MedGen C1832615, MONDO:0009397, OMIM 239200.
Familial hypocalciuric hypercalcemia 1. Also called: Hypercalcemia, familial benign type 1. Identifiers: Orphanet 405, Orphanet 93372, MedGen C0342637, MONDO:0007791, OMIM 145980.
Familial hypoparathyroidism. Also called: Familial isolated hypoparathyroidism. Identifiers: Orphanet 2238, MedGen C1832648, MONDO:0016390.

Allele frequency attached by ClinVar (database versions not stated): gnomAD 0.00001; ExAC 0.00002; gnomAD exomes 0.00002 and 0.00003; TOPMed 0.00002; ESP Exome Variant Server 0.00008.

Submissions (10):

PreventionGenetics, part of Exact Sciences
Classification: Likely pathogenic for CASR-related condition. Last evaluated: 2026-02-21. Review status: criteria provided, single submitter. Criteria: ACMG Guidelines, 2015. Collection method: clinical testing. Allele origin: germline.
Comment: The CASR c.649G>A variant is predicted to result in the amino acid substitution p.Asp217Asn. This variant was reported to occur de novo in an individual with CASR-related disorder (Supplementary Table 1, Gorukmez et al. 2023. PubMed ID: 36964972). Of note, a different substitution at the same codon, defined as c.649G>T (p.Asp217Tyr), has been reported to be causative for CASR-related disorders (Wang et al. 2019. PubMed ID: 31433868; Cogal et al. 2021. PubMed ID: 34805638; ClinVar Variation ID: 430465). The c.649G>A (p.Asp217Asn) variant is reported in 0.0065% of alleles in individuals of South Asian descent in gnomAD. This variant is interpreted as likely pathogenic.

Labcorp Genetics (formerly Invitae), Labcorp
Classification: Uncertain significance for Familial hypocalciuric hypercalcemia; Autosomal dominant hypocalcemia 1. Last evaluated: 2025-04-14. Review status: criteria provided, single submitter. Criteria: Invitae Variant Classification Sherloc (09022015). Collection method: clinical testing. Allele origin: germline.
Comment: This sequence change replaces aspartic acid, which is acidic and polar, with asparagine, which is neutral and polar, at codon 217 of the CASR protein (p.Asp217Asn). This variant is present in population databases (rs201091657, gnomAD 0.006%). This missense change has been observed in individual(s) with hypercalcemia (PMID: 36964972). ClinVar contains an entry for this variant (Variation ID: 410344). An algorithm developed to predict the effect of missense changes on protein structure and function (PolyPhen-2) suggests that this variant is likely to be tolerated. In summary, the available evidence is currently insufficient to determine the role of this variant in disease. Therefore, it has been classified as a Variant of Uncertain Significance.

Fulgent Genetics
Classification: Uncertain significance for Familial hypocalciuric hypercalcemia 1; Neonatal severe primary hyperparathyroidism; Autosomal dominant hypocalcemia 1; Epilepsy, idiopathic generalized, susceptibility to, 8. Last evaluated: 2024-02-09. Review status: criteria provided, single submitter. Criteria: ACMG Guidelines, 2015. Collection method: clinical testing. Allele origin: germline.

Blueprint Genetics
Classification: Uncertain significance. Last evaluated: 2023-12-11. Review status: criteria provided, single submitter. Criteria: ACMG Guidelines, 2015. Collection method: clinical testing. Allele origin: germline.

Ambry Genetics
Classification: Uncertain significance for Nephrolithiasis/nephrocalcinosis. Last evaluated: 2023-11-15. Review status: criteria provided, single submitter. Criteria: Ambry Variant Classification Scheme 2023. Collection method: clinical testing. Allele origin: germline.
Comment: The p.D217N variant (also known as c.649G>A), located in coding exon 3 of the CASR gene, results from a G to A substitution at nucleotide position 649. The aspartic acid at codon 217 is replaced by asparagine, an amino acid with highly similar properties. This amino acid position is well conserved in available vertebrate species. In addition, the in silico prediction for this alteration is inconclusive. Since supporting evidence is limited at this time, the clinical significance of this alteration remains unclear.

Revvity Omics, Revvity
Classification: Uncertain significance. Last evaluated: 2023-02-07. Review status: criteria provided, single submitter. Criteria: ACMG Guidelines, 2015. Collection method: clinical testing. Allele origin: germline.

Illumina Laboratory Services, Illumina
Classification: Uncertain significance for Neonatal severe primary hyperparathyroidism. Last evaluated: 2017-04-28. Review status: criteria provided, single submitter. Criteria: ICSL Variant Classification Criteria 13 December 2019. Collection method: clinical testing. Allele origin: germline.

Illumina Laboratory Services, Illumina
Classification: Uncertain significance for Autosomal dominant hypocalcemia 1. Last evaluated: 2017-04-28. Review status: criteria provided, single submitter. Criteria: ICSL Variant Classification Criteria 13 December 2019. Collection method: clinical testing. Allele origin: germline.

Illumina Laboratory Services, Illumina
Classification: Uncertain significance for Familial isolated hypoparathyroidism. Last evaluated: 2017-04-28. Review status: criteria provided, single submitter. Criteria: ICSL Variant Classification Criteria 13 December 2019. Collection method: clinical testing. Allele origin: germline.

Illumina Laboratory Services, Illumina
Classification: Uncertain significance for Familial hypocalciuric hypercalcemia 1. Last evaluated: 2017-04-28. Review status: criteria provided, single submitter. Criteria: ICSL Variant Classification Criteria 13 December 2019. Collection method: clinical testing. Allele origin: germline.

Literature cited by the submitters: PubMed 36964972 (cited by Labcorp Genetics (formerly Invitae), Labcorp).